The following is an entry in ClinVar:

ClinVar aggregate classification (germline): Uncertain significance. Review status: criteria provided, multiple submitters, no conflicts (2 of 4 stars). 3 submissions from 3 submitters: Uncertain significance (3). Last evaluated 2025-10-02.

Conditions:
Cardiovascular phenotype. Identifiers: MedGen CN230736.
Primary dilated cardiomyopathy (DCM). Also called: Dilated Cardiomyopathy. Identifiers: Orphanet 217604, MedGen C0007193, MeSH D002311, MONDO:0005021, HP:0001644. Inheritance: Various modes of inheritance.
Charcot-Marie-Tooth disease type 2. Also called: Charcot-Marie-Tooth type 2. Identifiers: Orphanet 64746, MedGen C0270914, MONDO:0018993.

Allele frequency attached by ClinVar (database versions not stated): gnomAD exomes below 0.00001.
gnomAD v4.1: 1 of 1,614,016 alleles (0.000062%); highest among the groups gnomAD compares: African/African-American, 0.0013%; no homozygotes.

Submissions (3):

Labcorp Genetics (formerly Invitae), Labcorp
Classification: Uncertain significance for Charcot-Marie-Tooth disease type 2. Last evaluated: 2025-10-02. Review status: criteria provided, single submitter. Criteria: Invitae Variant Classification Sherloc (09022015). Collection method: clinical testing. Allele origin: germline.
Comment: This sequence change replaces alanine, which is neutral and non-polar, with serine, which is neutral and polar, at codon 130 of the LMNA protein (p.Ala130Ser). This variant is not present in population databases (gnomAD no frequency). This missense change has been observed in individual(s) with clinical features of limb-girdle muscular dystrophy (PMID: 22806367). ClinVar contains an entry for this variant (Variation ID: 3074864). Invitae Evidence Modeling of protein sequence and biophysical properties (such as structural, functional, and spatial information, amino acid conservation, physicochemical variation, residue mobility, and thermodynamic stability) indicates that this missense variant is expected to disrupt LMNA protein function with a positive predictive value of 95%. In summary, the available evidence is currently insufficient to determine the role of this variant in disease. Therefore, it has been classified as a Variant of Uncertain Significance.

Ambry Genetics
Classification: Uncertain significance for Cardiovascular phenotype. Last evaluated: 2024-11-19. Review status: criteria provided, single submitter. Criteria: Ambry Variant Classification Scheme 2023. Collection method: clinical testing. Allele origin: germline.
Comment: The p.A130S variant (also known as c.388G>T), located in coding exon 2 of the LMNA gene, results from a G to T substitution at nucleotide position 388. The alanine at codon 130 is replaced by serine, an amino acid with similar properties. This variant was reported in an individual with features consistent with limb-girdle muscular dystrophy (Carboni N et al. Muscle Nerve, 2012 Aug;46:187-92). This amino acid position is highly conserved in available vertebrate species. In addition, this alteration is predicted to be deleterious by in silico analysis. Based on the available evidence, the clinical significance of this variant remains unclear.

All of Us Research Program, National Institutes of Health
Classification: Uncertain significance for Primary dilated cardiomyopathy. Last evaluated: 2023-12-13. Review status: criteria provided, single submitter. Criteria: ACMG Guidelines, 2015. Collection method: clinical testing. Allele origin: germline. Inheritance: Autosomal dominant inheritance. Observed: 1 variant allele, 1 heterozygote.
Comment: This missense variant replaces alanine with serine at codon 130 of the LMNA protein. Computational prediction suggests that this variant may have deleterious impact on protein structure and function (internally defined REVEL score threshold >= 0.7, PMID: 27666373). To our knowledge, functional studies have not been reported for this variant. This variant has been reported in a familial case of limb girdle muscular dystrophy (PMID: 22806367). This variant has not been identified in the general population by the Genome Aggregation Database (gnomAD). The available evidence is insufficient to determine the role of this variant in disease conclusively. Therefore, this variant is classified as a Variant of Uncertain Significance.

This study involves interpretation of variants in research participants for the purpose of population health screening. Participant phenotype was not available at the time of variant classification. Additional details can be found in publication PMID: 35346344, PMCID: PMC8962531

Literature cited by the submitters: PubMed 22806367 (cited by 3 submitters).

NM_170707.4(LMNA):c.388G>T (p.Ala130Ser)

Genes: LMNA (lamin A/C; plus strand), LOC126805877 (MED14-independent group 3 enhancer GRCh37_chr1:156099693-156100892; plus strand). Cytogenetic location: 1q22.
Variant type: single nucleotide variant.
Coding change: c.388G>T on transcript NM_170707.4 (MANE Select); coding-DNA position 388, G replaced by T.
Protein change: p.Ala130Ser; replaces alanine 130 with serine.
Molecular consequence: missense variant. On other transcripts: 5 prime UTR variant (7), intron variant (4).
Genome position (GRCh38, 1-based): chr1:156,130,648, G>T. VCF-style: chr1-156130648-G-T. GRCh37 (hg19) VCF-style: chr1-156100439-G-T.
Other names: c.52G>T, p.Ala18Ser (NM_001257374.3, NM_001406989.1, NM_001406998.1); c.145G>T, p.Ala49Ser (NM_001282624.2, NM_001406986.1, NM_001406987.1); c.388G>T, p.Ala130Ser (NM_001282625.2, NM_001282626.2, NM_001406983.1 and 6 more transcripts); c.91G>T, p.Ala31Ser (NM_001406988.1); c.-171G>T (NM_001406993.1, NM_001406996.1, NM_001406997.1 and 1 more transcripts); c.-277G>T (NM_001406994.1, NM_001406999.1, NM_001407000.1); c.-45-3755G>T (NM_001407002.1, NM_001406995.1, NM_001406990.1); c.-151-3755G>T (NM_001407001.1); short protein forms A130S, A18S, A31S, A49S.
Identifiers: ClinVar variation 3074864 (VCV003074864.4), dbSNP rs1650973752, ClinGen allele CA342815132.